The following is an entry in ClinVar:

ClinVar aggregate classification (germline): Uncertain significance. Review status: criteria provided, multiple submitters, no conflicts (2 of 4 stars). 2 submissions from 2 submitters: Uncertain significance (2). Last evaluated 2025-09-21.

Conditions:
Leigh syndrome (NULS). Also called: Leigh's syndrome; Leigh Disease; Subacute necrotizing encephalopathy; Necrotizing encephalopathy infantile subacute of Leigh; LEIGH SYNDROME, NUCLEAR; Leigh's necrotizing encephalopathy. Identifiers: Orphanet 506, MedGen C2931891, MONDO:0009723, OMIM 256000.
Inborn genetic diseases. Identifiers: MedGen C0950123, MeSH D030342.

Submissions (2):

Labcorp Genetics (formerly Invitae), Labcorp
Classification: Uncertain significance for Leigh syndrome. Last evaluated: 2025-09-21. Review status: criteria provided, single submitter. Criteria: Invitae Variant Classification Sherloc (09022015). Collection method: clinical testing. Allele origin: germline.
Comment: This sequence change replaces glycine, which is neutral and non-polar, with alanine, which is neutral and non-polar, at codon 195 of the SURF1 protein (p.Gly195Ala). This variant is not present in population databases (gnomAD no frequency). This variant has not been reported in the literature in individuals affected with SURF1-related conditions. ClinVar contains an entry for this variant (Variation ID: 3323660). Invitae Evidence Modeling of protein sequence and biophysical properties (such as structural, functional, and spatial information, amino acid conservation, physicochemical variation, residue mobility, and thermodynamic stability) has been performed for this missense variant. However, the output from this modeling did not meet the statistical confidence thresholds required to predict the impact of this variant on SURF1 protein function. In summary, the available evidence is currently insufficient to determine the role of this variant in disease. Therefore, it has been classified as a Variant of Uncertain Significance.

Ambry Genetics
Classification: Uncertain significance for Inborn genetic diseases. Last evaluated: 2024-06-05. Review status: criteria provided, single submitter. Criteria: Ambry Variant Classification Scheme 2023. Collection method: clinical testing. Allele origin: germline.

NM_003172.4(SURF1):c.584G>C (p.Gly195Ala)

Gene: SURF1 (SURF1 cytochrome c oxidase assembly factor; minus strand). Cytogenetic location: 9q34.2.
Variant type: single nucleotide variant.
Coding change: c.584G>C on transcript NM_003172.4 (MANE Select); coding-DNA position 584, G replaced by C.
Protein change: p.Gly195Ala; replaces glycine 195 with alanine.
Molecular consequence: missense variant.
Genome position (GRCh38, 1-based): chr9:133,352,698, C>G on the plus strand (G>C on the coding strand, the complement: SURF1 is on the minus strand). VCF-style: chr9-133352698-C-G. GRCh37 (hg19) VCF-style: chr9-136219553-C-G.
Other names: c.257G>C, p.Gly86Ala (NM_001280787.1); short protein forms G195A, G86A.
Identifiers: ClinVar variation 3323660 (VCV003323660.2).